The following is an entry in ClinVar:

NC_000001.10:g.(?_235530741)_(235543465_235564817)del

Gene: TBCE (tubulin folding cofactor E; plus strand). Cytogenetic location: 1q42.3.
Variant type: Deletion.
Identifiers: ClinVar variation 4536797 (VCV004536797.1).

ClinVar aggregate classification (germline): Pathogenic (1 of 4 stars; one submission).

Conditions:
TBCE-related disorder. Also called: TBCE-related disorders; TBCE-related condition.

Submission:

Women's Health and Genetics/Laboratory Corporation of America, LabCorp
Classification: Pathogenic for TBCE-Related Disorder. Last evaluated: 2025-11-12. Review status: criteria provided, single submitter. Criteria: LabCorp Variant Classification Summary - May 2015. Collection method: clinical testing. Allele origin: germline.
Comment: Variant summary: The variant involves the deletion of exons 1-2 in the TBCE gene. A presumed nomenclature of c.(?_-110)_(100+1_101-1)del has been designated for the purposes of this classification. The exact breakpoint at the 5' end of this variant is unknown, therefore this deletion may extend upstream of the annotated region of this gene. Although the exact breakpoints of this deletion are not known, it is predicted to remove the initiation codon and result in an absence of protein or a truncation of the encoded protein due to translation initiation at a downstream site. Loss-of-function variants in this gene are known to be pathogenic. The variant allele was found at a frequency of 9.7e-05 in 20532 control chromosomes. To our knowledge, no occurrence of c.(?_-110)_(100+1_101-1)del in individuals affected with TBCE-related conditions and no experimental evidence demonstrating its impact on protein function have been reported. No submitters have cited clinical-significance assessments for this variant to ClinVar. Based on the evidence outlined above, the variant was classified as pathogenic.